The following is an entry in ClinVar:

ClinVar aggregate classification (germline): Uncertain significance (1 of 4 stars; one submission).

Submission:

Labcorp Genetics (formerly Invitae), Labcorp
Classification: Uncertain significance. Last evaluated: 2022-09-01. Review status: criteria provided, single submitter. Criteria: Invitae Variant Classification Sherloc (09022015). Collection method: clinical testing. Allele origin: germline.
Comment: This variant has not been reported in the literature in individuals affected with RNF13-related conditions. This variant is not present in population databases (gnomAD no frequency). This sequence change replaces leucine, which is neutral and non-polar, with valine, which is neutral and non-polar, at codon 100 of the RNF13 protein (p.Leu100Val). Algorithms developed to predict the effect of missense changes on protein structure and function (SIFT, PolyPhen-2, Align-GVGD) all suggest that this variant is likely to be tolerated. In summary, the available evidence is currently insufficient to determine the role of this variant in disease. Therefore, it has been classified as a Variant of Uncertain Significance.

NM_183381.3(RNF13):c.298C>G (p.Leu100Val)

Gene: RNF13 (ring finger protein 13; plus strand). Cytogenetic location: 3q25.1.
Variant type: single nucleotide variant.
Coding change: c.298C>G on transcript NM_183381.3 (MANE Select); coding-DNA position 298, C replaced by G.
Protein change: p.Leu100Val; replaces leucine 100 with valine.
Molecular consequence: missense variant. On other transcripts: 5 prime UTR variant (6), non-coding transcript variant (1).
Genome position (GRCh38, 1-based): chr3:149,872,131, C>G. VCF-style: chr3-149872131-C-G. GRCh37 (hg19) VCF-style: chr3-149589918-C-G.
Other names: c.298C>G, p.Leu100Val (NM_001378285.1, NM_001378286.1, NM_007282.4); c.-70C>G (NM_001378287.1, NM_001378288.1, NM_001378289.1 and 2 more transcripts); c.-96C>G (NM_001378291.1); short protein forms L100V.
Identifiers: ClinVar variation 1718610 (VCV001718610.5), dbSNP rs775761047, ClinGen allele CA355010347.
Genomic context (GRCh38, chr3:149,872,131, plus strand): 5'-ATAGTGCCTCCACCAGTAAAAGACAATTCATCTGGCACTTTCATCGTGTTAATTAGAAGA[C>G]TTGATTGTAATTTTGATATAAAGGTATGATTATCTTTTTTCATTTTTTGTTTCCTATTTG-3'
Protein context (NP_899237.1, residues 90-110): SGTFIVLIRR[Leu100Val]DCNFDIKVLN